The following is an entry in ClinVar:

NM_005612.5(REST):c.3293A>G (p.Ter1098=)

Gene: REST (RE1 silencing transcription factor; plus strand). Cytogenetic location: 4q12.
Variant type: single nucleotide variant.
Coding change: c.3293A>G on transcript NM_005612.5 (MANE Select); coding-DNA position 3293, A replaced by G.
Protein change: p.Ter1098=.
Molecular consequence: synonymous variant.
Genome position (GRCh38, 1-based): chr4:56,932,151, A>G. VCF-style: chr4-56932151-A-G. GRCh37 (hg19) VCF-style: chr4-57798317-A-G.
Other names: c.3293A>G, p.Ter1098= (NM_001193508.2, NM_001363453.3).
Identifiers: ClinVar variation 742197 (VCV000742197.34), dbSNP rs149108189, ClinGen allele CA2932643.

ClinVar aggregate classification (germline): Likely benign. Review status: criteria provided, multiple submitters, no conflicts (2 of 4 stars). 3 submissions from 3 submitters: Likely benign (3). Last evaluated 2025-07-13.

Allele frequency attached by ClinVar (database versions not stated): TOPMed 0.00012; gnomAD exomes 0.00014 and 0.00017; gnomAD 0.00016; ExAC 0.00017; 1000 Genomes Project 0.00020; ESP Exome Variant Server 0.00023; 1000 Genomes Project 30x 0.00031.
gnomAD v4.1: 268 of 1,593,020 alleles (0.017%); highest among the groups gnomAD compares: Non-Finnish European, 0.021%; no homozygotes.

Submissions (3):

Labcorp Genetics (formerly Invitae), Labcorp
Classification: Likely benign. Last evaluated: 2025-07-13. Review status: criteria provided, single submitter. Criteria: Invitae Variant Classification Sherloc (09022015). Collection method: clinical testing. Allele origin: germline.

CeGaT Center for Human Genetics Tuebingen
Classification: Likely benign. Last evaluated: 2024-01-01. Review status: criteria provided, single submitter. Criteria: CeGaT Center For Human Genetics Tuebingen Variant Classification Criteria Version 2. Collection method: clinical testing. Allele origin: germline. Affected: yes. Observed: 1 variant allele.
Comment: REST: BP4

GeneDx
Classification: Likely benign. Last evaluated: 2020-09-30. Review status: criteria provided, single submitter. Criteria: GeneDx Variant Classification Process June 2021. Collection method: clinical testing. Allele origin: germline. Affected: yes.
Comment: See Variant Classification Assertion Criteria.